The following is an entry in ClinVar:

NM_001267550.2(TTN):c.69234_69238del (p.Lys23079fs)

Genes: TTN (titin; minus strand), TTN-AS1 (TTN antisense RNA 1; plus strand). Cytogenetic location: 2q31.2.
Variant type: Deletion.
Coding change: c.69234_69238del on transcript NM_001267550.2 (MANE Select); coding-DNA positions 69234 to 69238, 5 bases deleted (AAAGA; older notation c.69234_69238delAAAGA).
Protein change: p.Lys23079fs; shifts the reading frame from lysine 23079.
Molecular consequence: frameshift variant.
Genome position (GRCh38, 1-based): chr2:178,577,097-178,577,101, TCTTT deleted on the plus strand (AAAGA on the coding strand, the reverse complement: TTN is on the minus strand); deleting any 5 consecutive bases within chr2:178,577,097-178,577,103 gives the same sequence; the c. name uses the placement nearest the transcript's 3' end. VCF-style (leftmost placement, unchanged base first): chr2-178577096-CTCTTT-C. GRCh37 (hg19) VCF-style: chr2-179441823-CTCTTT-C.
Other names: c.64311_64315del, p.Lys21438fs (NM_001256850.1); c.42039_42043del, p.Lys14014fs (NM_003319.4); c.61530_61534del, p.Lys20511fs (NM_133378.4); c.42414_42418del, p.Lys14139fs (NM_133432.3); c.42615_42619del, p.Lys14206fs (NM_133437.4); short protein forms K23079fs, K21438fs, K14139fs, K14014fs, K14206fs, K20511fs.
Identifiers: ClinVar variation 846118 (VCV000846118.13), dbSNP rs2046600751, ClinGen allele CA916081356.

ClinVar aggregate classification (germline): Likely pathogenic (1 of 4 stars; one submission).

Conditions:
Dilated cardiomyopathy 1G (CMD1G). Identifiers: Orphanet 154, MedGen C1858763, MONDO:0011400, OMIM 604145.
Autosomal recessive limb-girdle muscular dystrophy type 2J (LGMDR10). Also called: Limb-girdle muscular dystrophy, type 2J; MUSCULAR DYSTROPHY, LIMB-GIRDLE, AUTOSOMAL RECESSIVE 10. Identifiers: Orphanet 140922, MedGen C1837342, MONDO:0012127, OMIM 608807.

Submission:

Labcorp Genetics (formerly Invitae), Labcorp
Classification: Likely pathogenic for Dilated cardiomyopathy 1G; Autosomal recessive limb-girdle muscular dystrophy type 2J. Last evaluated: 2022-02-27. Review status: criteria provided, single submitter. Criteria: Invitae Variant Classification Sherloc (09022015). Collection method: clinical testing. Allele origin: germline.
Comment: ClinVar contains an entry for this variant (Variation ID: 846118). This variant has not been reported in the literature in individuals affected with TTN-related conditions. This variant is not present in population databases (gnomAD no frequency). This sequence change creates a premature translational stop signal (p.Lys23079Argfs*12) in the TTN gene. While this is not anticipated to result in nonsense mediated decay, it is expected to create a truncated TTN protein. This variant is located in the A band of TTN (PMID: 25589632). Truncating variants in this region are significantly overrepresented in patients affected with dilated cardiomyopathy (PMID: 25589632). Truncating variants in this region have also been reported in individuals affected with autosomal recessive centronuclear myopathy (PMID: 23975875). In summary, the currently available evidence indicates that the variant is pathogenic, but additional data are needed to prove that conclusively. Therefore, this variant has been classified as Likely Pathogenic.

Literature cited by the submitters: PubMed 25589632; PubMed 23975875.